The following is an entry in ClinVar:

ClinVar aggregate classification (germline): Uncertain significance (1 of 4 stars; one submission).

Conditions:
Cardiovascular phenotype. Identifiers: MedGen CN230736.

gnomAD v4.1: 2 of 1,412,224 alleles (0.00014%); highest among the groups gnomAD compares: African/African-American, 0.0032%; no homozygotes.

Submission:

Ambry Genetics
Classification: Uncertain significance for Cardiovascular phenotype. Last evaluated: 2026-08-29. Review status: criteria provided, single submitter. Criteria: Ambry Variant Classification Scheme 2023. Collection method: clinical testing. Allele origin: germline.
Comment: The p.D1170N variant (also known as c.3508G>A), located in coding exon 23 of the SOS2 gene, results from a G to A substitution at nucleotide position 3508. The aspartic acid at codon 1170 is replaced by asparagine, an amino acid with highly similar properties. This amino acid position is conserved. In addition, this alteration is predicted to be tolerated by in silico analysis. Based on the available evidence, the clinical significance of this variant remains unclear.

NM_006939.4(SOS2):c.3508G>A (p.Asp1170Asn)

Gene: SOS2 (SOS Ras/Rho guanine nucleotide exchange factor 2; minus strand). Cytogenetic location: 14q21.3.
Variant type: single nucleotide variant.
Coding change: c.3508G>A on transcript NM_006939.4 (MANE Select); coding-DNA position 3508, G replaced by A.
Protein change: p.Asp1170Asn; replaces aspartic acid 1170 with asparagine.
Molecular consequence: missense variant.
Genome position (GRCh38, 1-based): chr14:50,118,835, C>T on the plus strand (G>A on the coding strand, the complement: SOS2 is on the minus strand). VCF-style: chr14-50118835-C-T. GRCh37 (hg19) VCF-style: chr14-50585553-C-T.
Other names: c.3409G>A, p.Asp1137Asn (NM_001411020.1); short protein forms D1170N, D1137N.
Identifiers: ClinVar variation 5030036 (VCV005030036.1).
Genomic context (GRCh38, chr14:50,118,835, plus strand): 5'-GAACTCTGGGTTTTACCTTTGGAGGAGGAGGCTGTCTCGGTGGAATAGCAGGAGGATCAT[C>T]ATCAGATTTCATATTTCCCTCAAAAAAAAAAGTAATTAAATTATACCTCTATTCTGAAAA-3'
Protein context (NP_008870.2, residues 1160-1180): SNSKGNMKSD[Asp1170Asn]DPPAIPPRQP